The following is an entry in ClinVar:

NM_007294.4(BRCA1):c.182_183insGCGC (p.Cys61fs)

Gene: BRCA1 (BRCA1 DNA repair associated; minus strand). Cytogenetic location: 17q21.31.
Variant type: Insertion.
Coding change: c.182_183insGCGC on transcript NM_007294.4 (MANE Select); coding-DNA positions 182 to 183, GCGC inserted.
Protein change: p.Cys61fs; shifts the reading frame from cysteine 61.
Molecular consequence: frameshift variant. On other transcripts: non-coding transcript variant (1).
Genome position: GRCh38 VCF-style: chr17-43106485-A-AGCGC. GRCh37 (hg19) VCF-style: chr17-41258502-A-AGCGC.
Other names: 301ins4; c.-7_-6insGCGC (NM_001407571.1, NM_001407853.1, NM_001407879.1 and 58 more transcripts); c.182_183insGCGC, p.Cys61Trpfs (NM_001407581.1, NM_001407582.1, NM_001407583.1 and 166 more transcripts); c.41_42insGCGC, p.Cys14Trpfs (NM_001407692.1, NM_001407694.1, NM_001407695.1 and 98 more transcripts); c.41_42insGCGC, p.Cys14fs (NM_007297.4); c.182_183insGCGC, p.Cys61fs (NM_007299.4, NM_007300.4); short protein forms C14fs, C61fs.
Identifiers: ClinVar variation 266191 (VCV000266191.6), dbSNP rs886039971, ClinGen allele CA10590032.

ClinVar aggregate classification (germline): Pathogenic. Review status: reviewed by expert panel (3 of 4 stars). 2 submissions from 2 submitters: Pathogenic (1). 1 of the submissions does not count toward it. Last evaluated 2016-10-18.

Conditions:
Breast-ovarian cancer, familial, susceptibility to, 1 (BROVCA1). Also called: BRCA1 Hereditary Breast and Ovarian Cancer; OVARIAN CANCER, SUSCEPTIBILITY TO. Identifiers: Orphanet 145, MedGen C2676676, MONDO:0011450, OMIM 604370. Disease mechanism: loss of function.

Submissions (2):

Evidence-based Network for the Interpretation of Germline Mutant Alleles (ENIGMA)
Classification: Pathogenic for Breast-ovarian cancer, familial, susceptibility to, 1. Last evaluated: 2016-10-18. Review status: reviewed by expert panel. Criteria: ENIGMA BRCA1/2 Classification Criteria (2015). Collection method: curation. Allele origin: germline.
Comment: Variant allele predicted to encode a truncated non-functional protein.

Consortium of Investigators of Modifiers of BRCA1/2 (CIMBA), c/o University of Cambridge
Classification: Pathogenic for Breast-ovarian cancer, familial, susceptibility to, 1. Last evaluated: 2015-10-02. Review status: criteria provided, single submitter. Criteria: CIMBA Mutation Classification guidelines May 2016. Collection method: clinical testing. Allele origin: germline. Not counted in ClinVar's aggregate classification.